The following is an entry in ClinVar:

ClinVar aggregate classification (germline): Uncertain significance. Review status: criteria provided, multiple submitters, no conflicts (2 of 4 stars). 3 submissions from 3 submitters: Uncertain significance (2). 1 of the submissions does not count toward it. Last evaluated 2025-04-25.

Conditions:
Citrullinemia. Identifiers: Orphanet 187, MedGen C0175683, MONDO:0015991.
SLC25A13-related disorder. Also called: SLC25A13-related condition.

Allele frequency attached by ClinVar (database versions not stated): gnomAD 0.00001; gnomAD exomes 0.00001; TOPMed 0.00001; ExAC 0.00002.
gnomAD v4.1: 6 of 1,613,966 alleles (0.00037%); highest among the groups gnomAD compares: South Asian, 0.0011%; no homozygotes.

Submissions (3):

PreventionGenetics, part of Exact Sciences
Classification: Uncertain significance for SLC25A13-related condition. Last evaluated: 2025-04-25. Review status: criteria provided, single submitter. Criteria: ACMG Guidelines, 2015. Collection method: clinical testing. Allele origin: germline.
Comment: The SLC25A13 c.1511A>G variant is predicted to result in the amino acid substitution p.Tyr504Cys. This variant was reported in compound heterozygous state in 2 individuals with neonatal intrahepatic cholestasis by citrin deficiency (Shigetomi et al. 2018. PubMed ID: 33072931; Data S5 and S6 in Kido et al. 2022. PubMed ID: 35142380). This variant is reported in 0.0031% of alleles in individuals of European (Non-Finnish) descent in gnomAD. Although we suspect that this variant may be pathogenic, the clinical significance of this variant is classified as uncertain at this time due to insufficient functional and genetic evidence.

Women's Health and Genetics/Laboratory Corporation of America, LabCorp
Classification: Uncertain significance. Last evaluated: 2023-06-30. Review status: criteria provided, single submitter. Criteria: LabCorp Variant Classification Summary - May 2015. Collection method: clinical testing. Allele origin: germline.
Comment: Variant summary: SLC25A13 c.1511A>G (p.Tyr504Cys) results in a non-conservative amino acid change in the encoded protein sequence. Five of five in-silico tools predict a damaging effect of the variant on protein function. The variant allele was found at a frequency of 1.2e-05 in 250914 control chromosomes. The available data on variant occurrences in the general population are insufficient to allow any conclusion about variant significance. c.1511A>G has been reported in the literature in at least one compound heterozygous neonate with intrahepatic cholestasis due to a citrin deficiency (e.g., Shigetomi_2018, Kido_2022). These data do not allow any conclusion about variant significance. To our knowledge, no experimental evidence demonstrating an impact on protein function has been reported. The following publications have been ascertained in the context of this evaluation (PMID: 35142380, 33072931). No submitters have cited clinical-significance assessments for this variant to ClinVar after 2014. Based on the evidence outlined above, the variant was classified as uncertain significance.

Natera, Inc.
Classification: Uncertain significance for Citrullinemia. Last evaluated: 2025-03-14. Review status: no assertion criteria provided. Collection method: clinical testing. Allele origin: germline. Not counted in ClinVar's aggregate classification.

Literature cited by the submitters: PubMed 35142380 (cited by Women's Health and Genetics/Laboratory Corporation of America, LabCorp); PubMed 33072931 (cited by Women's Health and Genetics/Laboratory Corporation of America, LabCorp).

NM_014251.3(SLC25A13):c.1511A>G (p.Tyr504Cys)

Gene: SLC25A13 (solute carrier family 25 member 13; minus strand). Cytogenetic location: 7q21.3.
Variant type: single nucleotide variant.
Coding change: c.1511A>G on transcript NM_014251.3 (MANE Select); coding-DNA position 1511, A replaced by G.
Protein change: p.Tyr504Cys; replaces tyrosine 504 with cysteine.
Molecular consequence: missense variant. On other transcripts: non-coding transcript variant (1).
Genome position (GRCh38, 1-based): chr7:96,131,823, T>C on the plus strand (A>G on the coding strand, the complement: SLC25A13 is on the minus strand). VCF-style: chr7-96131823-T-C. GRCh37 (hg19) VCF-style: chr7-95761135-T-C.
Other names: c.1514A>G, p.Tyr505Cys (NM_001160210.2); short protein forms Y504C, Y505C.
Identifiers: ClinVar variation 2573569 (VCV002573569.3), dbSNP rs777414201, ClinGen allele CA4352887.
Genomic context (GRCh38, chr7:96,131,823, plus strand): 5'-AGCAGGCTTCCTGGGCTAACCTGCCCATCTTCATTTGCAAAGGAAGCCTTCACATGAGCA[T>C]AGCACGGAAAGTAGATGGCCGAGAAAGGAATGTCCCGCAGAAAGCATGCTTTGGCACCCT-3'
Protein context (NP_055066.1, residues 494-514): IPFSAIYFPC[Tyr504Cys]AHVKASFANE